The following is an entry in ClinVar:

ClinVar aggregate classification (germline): Uncertain significance. Review status: criteria provided, multiple submitters, no conflicts (2 of 4 stars). 2 submissions from 2 submitters: Uncertain significance (2). Last evaluated 2025-09-21.

Conditions:
Dyskeratosis congenita, autosomal recessive 6 (DKCB6). Identifiers: MedGen C4225356, MONDO:0014600, OMIM 616353.
Pulmonary fibrosis and/or bone marrow failure, Telomere-related, 4. Also called: PULMONARY FIBROSIS AND/OR BONE MARROW FAILURE SYNDROME, TELOMERE-RELATED, 4. Identifiers: Orphanet 2032, MedGen C4225347, MONDO:0014612, OMIM 616371.

Allele frequency attached by ClinVar (database versions not stated): ExAC 0.00002; gnomAD exomes 0.00002; ESP Exome Variant Server 0.00008; TOPMed 0.00002; gnomAD 0.00002.
gnomAD v4.1: 35 of 1,611,720 alleles (0.0022%); highest among the groups gnomAD compares: Non-Finnish European, 0.003%; no homozygotes.

Submissions (2):

Labcorp Genetics (formerly Invitae), Labcorp
Classification: Uncertain significance for Dyskeratosis congenita, autosomal recessive 6; Pulmonary fibrosis and/or bone marrow failure, Telomere-related, 4. Last evaluated: 2025-09-21. Review status: criteria provided, single submitter. Criteria: Invitae Variant Classification Sherloc (09022015). Collection method: clinical testing. Allele origin: germline.
Comment: This sequence change replaces serine, which is neutral and polar, with arginine, which is basic and polar, at codon 486 of the PARN protein (p.Ser486Arg). This variant is present in population databases (rs375177493, gnomAD 0.006%). This variant has not been reported in the literature in individuals affected with PARN-related conditions. ClinVar contains an entry for this variant (Variation ID: 853818). Invitae Evidence Modeling of protein sequence and biophysical properties (such as structural, functional, and spatial information, amino acid conservation, physicochemical variation, residue mobility, and thermodynamic stability) indicates that this missense variant is not expected to disrupt PARN protein function with a negative predictive value of 80%. In summary, the available evidence is currently insufficient to determine the role of this variant in disease. Therefore, it has been classified as a Variant of Uncertain Significance.

Fulgent Genetics
Classification: Uncertain significance for Dyskeratosis congenita, autosomal recessive 6; Pulmonary fibrosis and/or bone marrow failure, Telomere-related, 4. Last evaluated: 2023-12-28. Review status: criteria provided, single submitter. Criteria: ACMG Guidelines, 2015. Collection method: clinical testing. Allele origin: germline.

NM_002582.4(PARN):c.1458C>G (p.Ser486Arg)

Gene: PARN (poly(A)-specific ribonuclease; minus strand). Cytogenetic location: 16p13.12.
Variant type: single nucleotide variant.
Coding change: c.1458C>G on transcript NM_002582.4 (MANE Select); coding-DNA position 1458, C replaced by G.
Protein change: p.Ser486Arg; replaces serine 486 with arginine.
Molecular consequence: missense variant.
Genome position (GRCh38, 1-based): chr16:14,552,043, G>C on the plus strand (C>G on the coding strand, the complement: PARN is on the minus strand). VCF-style: chr16-14552043-G-C. GRCh37 (hg19) VCF-style: chr16-14645900-G-C.
Other names: c.1275C>G, p.Ser425Arg (NM_001134477.3); c.1320C>G, p.Ser440Arg (NM_001242992.2); short protein forms S425R, S440R, S486R.
Identifiers: ClinVar variation 853818 (VCV000853818.10), dbSNP rs375177493, ClinGen allele CA7912015.